The following is an entry in ClinVar:

ClinVar aggregate classification (germline): Uncertain significance. Review status: criteria provided, multiple submitters, no conflicts (2 of 4 stars). 3 submissions from 3 submitters: Uncertain significance (3). Last evaluated 2024-11-18.

Conditions:
Xeroderma pigmentosum, group D (XPD). Also called: XERODERMA PIGMENTOSUM IV; XP, GROUP D; XP, GROUP H; XERODERMA PIGMENTOSUM, COMPLEMENTATION GROUP D; ERCC2-Related Xeroderma Pigmentosum. Identifiers: MedGen C0268138, MONDO:0010212, OMIM 278730.

Allele frequency attached by ClinVar (database versions not stated): ExAC 0.00002; TOPMed 0.00006; ESP Exome Variant Server 0.00008; gnomAD 0.00010 and 0.00011; 1000 Genomes Project 30x 0.00016; 1000 Genomes Project 0.00020.
gnomAD v4.1: 70 of 1,613,944 alleles (0.0043%); highest among the groups gnomAD compares: East Asian, 0.011%; no homozygotes.

Submissions (3):

Blueprint Genetics
Classification: Uncertain significance. Last evaluated: 2024-11-18. Review status: criteria provided, single submitter. Criteria: ACMG Guidelines, 2015. Collection method: clinical testing. Allele origin: germline.

Labcorp Genetics (formerly Invitae), Labcorp
Classification: Uncertain significance. Last evaluated: 2022-08-11. Review status: criteria provided, single submitter. Criteria: Invitae Variant Classification Sherloc (09022015). Collection method: clinical testing. Allele origin: germline.
Comment: This sequence change replaces arginine, which is basic and polar, with cysteine, which is neutral and slightly polar, at codon 631 of the ERCC2 protein (p.Arg631Cys). This variant is present in population databases (rs144511865, gnomAD 0.004%). This missense change has been observed in individual(s) with breast cancer and ovarian cancer (PMID: 27504877). ClinVar contains an entry for this variant (Variation ID: 892655). Algorithms developed to predict the effect of missense changes on protein structure and function are either unavailable or do not agree on the potential impact of this missense change (SIFT: "Deleterious"; PolyPhen-2: "Probably Damaging"; Align-GVGD: "Class C0"). Experimental studies have shown that this missense change affects ERCC2 function (PMID: 27504877). In summary, the available evidence is currently insufficient to determine the role of this variant in disease. Therefore, it has been classified as a Variant of Uncertain Significance.

Illumina Laboratory Services, Illumina
Classification: Uncertain significance for Xeroderma pigmentosum, group D. Last evaluated: 2017-04-28. Review status: criteria provided, single submitter. Criteria: ICSL Variant Classification Criteria 13 December 2019. Collection method: clinical testing. Allele origin: germline.
Comment: This variant was observed as part of a predisposition screen in an ostensibly healthy population. A literature search was performed for the gene, cDNA change, and amino acid change (where applicable). Publications were found based on this search. However, the evidence from the literature, in combination with allele frequency data from public databases where available, was not sufficient to rule this variant in or out of causing disease. Therefore, this variant is classified as a variant of unknown significance.

Literature cited by the submitters: PubMed 27504877 (cited by Labcorp Genetics (formerly Invitae), Labcorp and Illumina Laboratory Services, Illumina); PubMed 27085493 (cited by Illumina Laboratory Services, Illumina).

NM_000400.4(ERCC2):c.1891C>T (p.Arg631Cys)

Gene: ERCC2 (ERCC excision repair 2, TFIIH core complex helicase subunit; minus strand). Cytogenetic location: 19q13.32.
Variant type: single nucleotide variant.
Coding change: c.1891C>T on transcript NM_000400.4 (MANE Select); coding-DNA position 1891, C replaced by T.
Protein change: p.Arg631Cys; replaces arginine 631 with cysteine.
Molecular consequence: missense variant.
Genome position (GRCh38, 1-based): chr19:45,352,757, G>A on the plus strand (C>T on the coding strand, the complement: ERCC2 is on the minus strand). VCF-style: chr19-45352757-G-A. GRCh37 (hg19) VCF-style: chr19-45856015-G-A.
Other names: short protein forms R631C.
Identifiers: ClinVar variation 892655 (VCV000892655.9), dbSNP rs144511865, ClinGen allele CA9513013.